The following is an entry in ClinVar:

NM_020433.5(JPH2):c.1015G>A (p.Gly339Ser)

Gene: JPH2 (junctophilin 2; minus strand). Cytogenetic location: 20q13.12.
Variant type: single nucleotide variant.
Coding change: c.1015G>A on transcript NM_020433.5 (MANE Select); coding-DNA position 1015, G replaced by A.
Protein change: p.Gly339Ser; replaces glycine 339 with serine.
Molecular consequence: missense variant.
Genome position (GRCh38, 1-based): chr20:44,159,772, C>T on the plus strand (G>A on the coding strand, the complement: JPH2 is on the minus strand). VCF-style: chr20-44159772-C-T. GRCh37 (hg19) VCF-style: chr20-42788412-C-T.
Other names: short protein forms G339S.
Identifiers: ClinVar variation 454465 (VCV000454465.23), dbSNP rs368290474, ClinGen allele CA9868768.

ClinVar aggregate classification (germline): Conflicting classifications of pathogenicity. Review status: criteria provided, conflicting classifications (1 of 4 stars). 3 submissions from 3 submitters: Uncertain significance (1); Likely benign (2). Last evaluated 2026-01-04.

Conditions:
Cardiovascular phenotype. Identifiers: MedGen CN230736.
Hypertrophic cardiomyopathy. Also called: HYPERTROPHIC MYOCARDIOPATHY. Identifiers: Orphanet 217569, MedGen C0007194, MeSH D002312, MONDO:0005045, HP:0001639.

Allele frequency attached by ClinVar (database versions not stated): gnomAD exomes 0.00002 and 0.00006; ExAC 0.00008; ESP Exome Variant Server 0.00015; 1000 Genomes Project 30x 0.00016; 1000 Genomes Project 0.00020; TOPMed 0.00026; gnomAD 0.00031 and 0.00035.
gnomAD v4.1: 84 of 1,613,514 alleles (0.0052%); highest among the groups gnomAD compares: African/African-American, 0.1%; no homozygotes.

Submissions (3):

Labcorp Genetics (formerly Invitae), Labcorp
Classification: Likely benign for Hypertrophic cardiomyopathy. Last evaluated: 2026-01-04. Review status: criteria provided, single submitter. Criteria: Invitae Variant Classification Sherloc (09022015). Collection method: clinical testing. Allele origin: germline.

GeneDx
Classification: Uncertain significance. Last evaluated: 2025-04-15. Review status: criteria provided, single submitter. Criteria: GeneDx Variant Classification Process June 2021. Collection method: clinical testing. Allele origin: germline. Affected: yes.
Comment: Identified in a patient with HCM in published literature who also harbored additional cardiogenetic variants (PMID: 28771489); In silico analysis supports that this missense variant has a deleterious effect on protein structure/function; This variant is associated with the following publications: (PMID: 35238659, 28771489)

Ambry Genetics
Classification: Likely benign for Cardiovascular phenotype. Last evaluated: 2019-04-04. Review status: criteria provided, single submitter. Criteria: Ambry Variant Classification Scheme 2023. Collection method: clinical testing. Allele origin: germline.

Literature cited by the submitters: PubMed 28771489 (cited by Ambry Genetics).